The following is an entry in ClinVar:

NM_004990.4(MARS1):c.673C>A (p.Leu225Met)

Gene: MARS1 (methionyl-tRNA synthetase 1; plus strand). Cytogenetic location: 12q13.3.
Variant type: single nucleotide variant.
Coding change: c.673C>A on transcript NM_004990.4 (MANE Select); coding-DNA position 673, C replaced by A.
Protein change: p.Leu225Met; replaces leucine 225 with methionine.
Molecular consequence: missense variant.
Genome position (GRCh38, 1-based): chr12:57,490,547, C>A. VCF-style: chr12-57490547-C-A. GRCh37 (hg19) VCF-style: chr12-57884330-C-A.
Other names: short protein forms L225M.
Identifiers: ClinVar variation 3750589 (VCV003750589.2).

ClinVar aggregate classification (germline): Uncertain significance (1 of 4 stars; one submission).

Conditions:
Severe early-onset pulmonary alveolar proteinosis due to MARS deficiency. Also called: PULMONARY ALVEOLAR PROTEINOSIS, REUNION ISLAND; Interstitial lung and liver disease. Identifiers: Orphanet 440427, MedGen C4225400, MONDO:0014206, OMIM 615486.
Charcot-Marie-Tooth disease axonal type 2U. Also called: CHARCOT-MARIE-TOOTH NEUROPATHY, TYPE 2U; CHARCOT-MARIE-TOOTH DISEASE, AXONAL, AUTOSOMAL DOMINANT, TYPE 2U. Identifiers: Orphanet 397735, MedGen C4084821, MONDO:0014566, OMIM 616280.

gnomAD v4.1: 2 of 1,614,000 alleles (0.00012%); highest among the groups gnomAD compares: Non-Finnish European, 0.00017%; no homozygotes.

Submission:

Labcorp Genetics (formerly Invitae), Labcorp
Classification: Uncertain significance for Charcot-Marie-Tooth disease axonal type 2U; Severe early-onset pulmonary alveolar proteinosis due to MARS deficiency. Last evaluated: 2024-02-19. Review status: criteria provided, single submitter. Criteria: Invitae Variant Classification Sherloc (09022015). Collection method: clinical testing. Allele origin: germline.
Comment: This sequence change replaces leucine, which is neutral and non-polar, with methionine, which is neutral and non-polar, at codon 225 of the MARS protein (p.Leu225Met). This variant is present in population databases (rs377103623, gnomAD 0.0009%). This variant has not been reported in the literature in individuals affected with MARS-related conditions. An algorithm developed to predict the effect of missense changes on protein structure and function (PolyPhen-2) suggests that this variant is likely to be tolerated. In summary, the available evidence is currently insufficient to determine the role of this variant in disease. Therefore, it has been classified as a Variant of Uncertain Significance.